The following is an entry in ClinVar:

NM_025243.4(SLC19A3):c.151-311T>A

Gene: SLC19A3 (solute carrier family 19 member 3; minus strand). Cytogenetic location: 2q36.3.
Variant type: single nucleotide variant.
Coding change: c.151-311T>A on transcript NM_025243.4 (MANE Select); 311 bases into the intron before coding-DNA position 151, T replaced by A.
Molecular consequence: intron variant.
Genome position (GRCh38, 1-based): chr2:227,699,875, A>T on the plus strand (T>A on the coding strand, the complement: SLC19A3 is on the minus strand). VCF-style: chr2-227699875-A-T. GRCh37 (hg19) VCF-style: chr2-228564591-A-T.
Identifiers: ClinVar variation 683857 (VCV000683857.1), dbSNP rs13400826, ClinGen allele CA11139620.

ClinVar aggregate classification (germline): Benign (1 of 4 stars; one submission).

Allele frequency attached by ClinVar (database versions not stated): gnomAD 0.96045; TOPMed 0.95873; 1000 Genomes Project 30x 0.96455; 1000 Genomes Project 0.96266.
gnomAD v4.1: 145,897 of 152,178 alleles (96%); highest among the groups gnomAD compares: African/African-American, 97%; 69,955 homozygotes.

Submission:

GeneDx
Classification: Benign. Last evaluated: 2018-06-14. Review status: criteria provided, single submitter. Criteria: GeneDx Variant Classification (06012015). Collection method: clinical testing. Allele origin: germline. Affected: yes.
Comment: This variant is considered likely benign or benign based on one or more of the following criteria: it is a conservative change, it occurs at a poorly conserved position in the protein, it is predicted to be benign by multiple in silico algorithms, and/or has population frequency not consistent with disease.